The following is an entry in ClinVar:

NM_007294.4(BRCA1):c.1123_1124delinsA (p.Leu375fs)

Gene: BRCA1 (BRCA1 DNA repair associated; minus strand). Cytogenetic location: 17q21.31.
Variant type: Indel.
Coding change: c.1123_1124delinsA on transcript NM_007294.4 (MANE Select); coding-DNA positions 1123 to 1124, CT replaced by A.
Protein change: p.Leu375fs; shifts the reading frame from leucine 375.
Molecular consequence: frameshift variant. On other transcripts: intron variant (137).
Genome position (GRCh38, 1-based): chr17:43,094,407-43,094,408, AG replaced by T on the plus strand (CT replaced by A on the coding strand, the reverse complement: BRCA1 is on the minus strand). VCF-style: chr17-43094407-AG-T. GRCh37 (hg19) VCF-style: chr17-41246424-AG-T.
Other names: c.661+336_661+337delinsA (NM_001408433.1, NM_001408446.1, NM_001408435.1 and 6 more transcripts); c.982_983delinsA, p.Leu328fs (NM_001407736.1, NM_001407737.1, NM_001407738.1 and 29 more transcripts); c.979_980delinsA, p.Leu327fs (NM_001407740.1, NM_001407845.1, NM_001407846.1 and 20 more transcripts); c.784+336_784+337delinsA (NM_001408400.1, NM_001407972.1, NM_001408392.1 and 13 more transcripts); c.664+336_664+337delinsA (NM_001408429.1, NM_001408441.1, NM_001408437.1 and 12 more transcripts); c.787+336_787+337delinsA (NM_001407979.1, NM_001407977.1, NM_001407980.1 and 19 more transcripts); c.646+336_646+337delinsA (NM_001408410.1, NM_001408458.1, NM_001408469.1 and 11 more transcripts); c.709+336_709+337delinsA (NM_001408415.1, NM_001408412.1, NM_001408409.1 and 2 more transcripts); and 41 more; short protein forms L375fs, L328fs, L207fs, L263fs, L287fs, L304fs, L307fs, L334fs.
Identifiers: ClinVar variation 919767 (VCV000919767.7), dbSNP rs2053989334, ClinGen allele CA913188897.

ClinVar aggregate classification (germline): Pathogenic. Review status: criteria provided, multiple submitters, no conflicts (2 of 4 stars). 2 submissions from 2 submitters: Pathogenic (2). Last evaluated 2024-05-13.

Conditions:
Hereditary cancer-predisposing syndrome. Also called: Neoplastic Syndromes, Hereditary; Tumor predisposition; Hereditary Cancer Syndrome; Hereditary neoplastic syndrome. Identifiers: Orphanet 140162, MedGen C0027672, MeSH D009386, MONDO:0015356.
Hereditary breast ovarian cancer syndrome. Also called: BRCA1- and BRCA2-Associated Hereditary Breast and Ovarian Cancer; Hereditary breast and ovarian cancer syndrome; Hereditary breast and ovarian cancer; Hereditary breast and ovarian cancer syndrome (HBOC); Breast and ovarian cancer; Hereditary breast and/or ovarian cancer syndrome. Identifiers: Orphanet 145, MedGen C0677776, MeSH D061325, MONDO:0003582. Disease mechanism: loss of function.

Submissions (2):

Labcorp Genetics (formerly Invitae), Labcorp
Classification: Pathogenic for Hereditary breast ovarian cancer syndrome. Last evaluated: 2024-05-13. Review status: criteria provided, single submitter. Criteria: Invitae Variant Classification Sherloc (09022015). Collection method: clinical testing. Allele origin: germline.
Comment: This sequence change creates a premature translational stop signal (p.Leu375Lysfs*19) in the BRCA1 gene. It is expected to result in an absent or disrupted protein product. Loss-of-function variants in BRCA1 are known to be pathogenic (PMID: 20104584). This variant is not present in population databases (gnomAD no frequency). This variant has not been reported in the literature in individuals affected with BRCA1-related conditions. For these reasons, this variant has been classified as Pathogenic.

Color Diagnostics, LLC DBA Color Health
Classification: Pathogenic for Hereditary cancer-predisposing syndrome. Last evaluated: 2021-03-11. Review status: criteria provided, single submitter. Criteria: ACMG Guidelines, 2015. Collection method: clinical testing. Allele origin: germline.
Comment: This variant alters 2 nucleotides in exon 10 of the BRCA1 gene, creating a frameshift and premature translation stop signal. This variant is expected to result in an absent or non-functional protein product. To our knowledge, functional studies have not been reported for this variant. This variant has been detected in an individual who underwent BRCA1/2 genetic testing (PMID: 29907814). This variant has not been identified in the general population by the Genome Aggregation Database (gnomAD). Loss of BRCA1 function is a known mechanism of disease. Based on the available evidence, this variant is classified as Pathogenic.

Literature cited by the submitters: PubMed 20104584 (cited by Labcorp Genetics (formerly Invitae), Labcorp).